The following is an entry in ClinVar:

NM_003803.4(MYOM1):c.4886C>T (p.Ala1629Val)

Gene: MYOM1 (myomesin 1; minus strand). Cytogenetic location: 18p11.31.
Variant type: single nucleotide variant.
Coding change: c.4886C>T on transcript NM_003803.4 (MANE Select); coding-DNA position 4886, C replaced by T.
Protein change: p.Ala1629Val; replaces alanine 1629 with valine.
Molecular consequence: missense variant.
Genome position (GRCh38, 1-based): chr18:3,067,434, G>A on the plus strand (C>T on the coding strand, the complement: MYOM1 is on the minus strand). VCF-style: chr18-3067434-G-A. GRCh37 (hg19) VCF-style: chr18-3067432-G-A.
Other names: c.4598C>T, p.Ala1533Val (NM_019856.2); short protein forms A1629V, A1533V.
Identifiers: ClinVar variation 1445020 (VCV001445020.8), dbSNP rs1450498737, ClinGen allele CA401705146.

ClinVar aggregate classification (germline): Uncertain significance (1 of 4 stars; one submission).

Conditions:
Hypertrophic cardiomyopathy. Also called: HYPERTROPHIC MYOCARDIOPATHY. Identifiers: Orphanet 217569, MedGen C0007194, MeSH D002312, MONDO:0005045, HP:0001639.

Allele frequency attached by ClinVar (database versions not stated): gnomAD exomes below 0.00001; TOPMed below 0.00001; gnomAD 0.00001.

Submission:

Labcorp Genetics (formerly Invitae), Labcorp
Classification: Uncertain significance for Hypertrophic cardiomyopathy. Last evaluated: 2021-07-05. Review status: criteria provided, single submitter. Criteria: Invitae Variant Classification Sherloc (09022015). Collection method: clinical testing. Allele origin: germline.
Comment: In summary, the available evidence is currently insufficient to determine the role of this variant in disease. Therefore, it has been classified as a Variant of Uncertain Significance. Algorithms developed to predict the effect of missense changes on protein structure and function output the following: SIFT: "Tolerated"; PolyPhen-2: "Benign"; Align-GVGD: "Class C0". The valine amino acid residue is found in multiple mammalian species, which suggests that this missense change does not adversely affect protein function. This variant has not been reported in the literature in individuals affected with MYOM1-related conditions. This variant is not present in population databases (ExAC no frequency). This sequence change replaces alanine with valine at codon 1629 of the MYOM1 protein (p.Ala1629Val). The alanine residue is weakly conserved and there is a small physicochemical difference between alanine and valine.